The following is an entry in ClinVar:

NM_006440.5(TXNRD2):c.673G>A (p.Gly225Arg)

Gene: TXNRD2 (thioredoxin reductase 2; minus strand). Cytogenetic location: 22q11.21.
Variant type: single nucleotide variant.
Coding change: c.673G>A on transcript NM_006440.5 (MANE Select); coding-DNA position 673, G replaced by A.
Protein change: p.Gly225Arg; replaces glycine 225 with arginine.
Molecular consequence: missense variant. On other transcripts: non-coding transcript variant (1).
Genome position (GRCh38, 1-based): chr22:19,899,058, C>T on the plus strand (G>A on the coding strand, the complement: TXNRD2 is on the minus strand). VCF-style: chr22-19899058-C-T. GRCh37 (hg19) VCF-style: chr22-19886581-C-T.
Other names: c.673G>A, p.Gly225Arg (NM_001282512.3); c.670G>A, p.Gly224Arg (NM_001352300.2); c.583G>A, p.Gly195Arg (NM_001352301.2); c.385G>A, p.Gly129Arg (NM_001352302.2); c.577G>A, p.Gly193Arg (NM_001352303.2); short protein forms G195R, G224R, G193R, G225R, G129R.
Identifiers: ClinVar variation 3718690 (VCV003718690.2).

ClinVar aggregate classification (germline): Uncertain significance (1 of 4 stars; one submission).

Conditions:
Primary dilated cardiomyopathy (DCM). Also called: Dilated Cardiomyopathy. Identifiers: Orphanet 217604, MedGen C0007193, MeSH D002311, MONDO:0005021, HP:0001644. Inheritance: Various modes of inheritance.

gnomAD v4.1: 10 of 1,606,900 alleles (0.00062%); highest among the groups gnomAD compares: Admixed American, 0.0017%; no homozygotes.

Submission:

Labcorp Genetics (formerly Invitae), Labcorp
Classification: Uncertain significance for Primary dilated cardiomyopathy. Last evaluated: 2024-11-13. Review status: criteria provided, single submitter. Criteria: Invitae Variant Classification Sherloc (09022015). Collection method: clinical testing. Allele origin: germline.
Comment: This sequence change replaces glycine, which is neutral and non-polar, with arginine, which is basic and polar, at codon 225 of the TXNRD2 protein (p.Gly225Arg). The frequency data for this variant in the population databases is considered unreliable, as metrics indicate poor data quality at this position in the gnomAD database. This variant has not been reported in the literature in individuals affected with TXNRD2-related conditions. Invitae Evidence Modeling of protein sequence and biophysical properties (such as structural, functional, and spatial information, amino acid conservation, physicochemical variation, residue mobility, and thermodynamic stability) indicates that this missense variant is expected to disrupt TXNRD2 protein function with a positive predictive value of 80%. In summary, the available evidence is currently insufficient to determine the role of this variant in disease. Therefore, it has been classified as a Variant of Uncertain Significance.